The following is an entry in ClinVar:

ClinVar aggregate classification (germline): Uncertain significance (1 of 4 stars; one submission).

Allele frequency attached by ClinVar (database versions not stated): ExAC 0.00001; gnomAD 0.00006 and 0.00007; ESP Exome Variant Server 0.00008.
gnomAD v4.1: 15 of 1,612,708 alleles (0.00093%); highest among the groups gnomAD compares: African/African-American, 0.004%; no homozygotes.

Submission:

Labcorp Genetics (formerly Invitae), Labcorp
Classification: Uncertain significance. Last evaluated: 2025-12-01. Review status: criteria provided, single submitter. Criteria: Invitae Variant Classification Sherloc (09022015). Collection method: clinical testing. Allele origin: germline.
Comment: This sequence change replaces methionine, which is neutral and non-polar, with isoleucine, which is neutral and non-polar, at codon 914 of the ERBB4 protein (p.Met914Ile). This variant is present in population databases (rs374581758, gnomAD 0.008%). This variant has not been reported in the literature in individuals affected with ERBB4-related conditions. ClinVar contains an entry for this variant (Variation ID: 1431309). Invitae Evidence Modeling of protein sequence and biophysical properties (such as structural, functional, and spatial information, amino acid conservation, physicochemical variation, residue mobility, and thermodynamic stability) indicates that this missense variant is expected to disrupt ERBB4 protein function with a positive predictive value of 80%. In summary, the available evidence is currently insufficient to determine the role of this variant in disease. Therefore, it has been classified as a Variant of Uncertain Significance.

NM_005235.3(ERBB4):c.2742G>T (p.Met914Ile)

Gene: ERBB4 (erb-b2 receptor tyrosine kinase 4; minus strand). Cytogenetic location: 2q34.
Variant type: single nucleotide variant.
Coding change: c.2742G>T on transcript NM_005235.3 (MANE Select); coding-DNA position 2742, G replaced by T.
Protein change: p.Met914Ile; replaces methionine 914 with isoleucine.
Molecular consequence: missense variant.
Genome position (GRCh38, 1-based): chr2:211,424,279, C>A on the plus strand (G>T on the coding strand, the complement: ERBB4 is on the minus strand). VCF-style: chr2-211424279-C-A. GRCh37 (hg19) VCF-style: chr2-212289004-C-A.
Other names: c.2742G>T, p.Met914Ile (NM_001042599.2); short protein forms M914I.
Identifiers: ClinVar variation 1431309 (VCV001431309.6), dbSNP rs374581758, ClinGen allele CA2087631.